The following is an entry in ClinVar:

ClinVar aggregate classification (germline): Uncertain significance (1 of 4 stars; one submission).

Conditions:
Hereditary cancer-predisposing syndrome. Also called: Neoplastic Syndromes, Hereditary; Tumor predisposition; Hereditary Cancer Syndrome; Hereditary neoplastic syndrome. Identifiers: Orphanet 140162, MedGen C0027672, MeSH D009386, MONDO:0015356.

Submission:

Ambry Genetics
Classification: Uncertain significance for Hereditary cancer-predisposing syndrome. Last evaluated: 2026-04-27. Review status: criteria provided, single submitter. Criteria: Ambry Variant Classification Scheme 2023. Collection method: clinical testing. Allele origin: germline.
Comment: The p.D943E variant (also known as c.2829C>G), located in coding exon 4 of the MSH6 gene, results from a C to G substitution at nucleotide position 2829. The aspartic acid at codon 943 is replaced by glutamic acid, an amino acid with highly similar properties. This amino acid position is conserved. In addition, this alteration is predicted to be tolerated by in silico analysis. Based on the available evidence, the clinical significance of this variant remains unclear.

NM_000179.3(MSH6):c.2829C>G (p.Asp943Glu)

Gene: MSH6 (mutS homolog 6; plus strand). Cytogenetic location: 2p16.3.
Variant type: single nucleotide variant.
Coding change: c.2829C>G on transcript NM_000179.3 (MANE Select); coding-DNA position 2829, C replaced by G.
Protein change: p.Asp943Glu; replaces aspartic acid 943 with glutamic acid.
Molecular consequence: missense variant. On other transcripts: non-coding transcript variant (5), intron variant (2).
Genome position (GRCh38, 1-based): chr2:47,800,812, C>G. VCF-style: chr2-47800812-C-G. GRCh37 (hg19) VCF-style: chr2-48027951-C-G.
Other names: c.2532C>G, p.Asp844Glu (NM_001406822.1, NM_001406797.1, NM_001406801.1 and 10 more transcripts); c.2439C>G, p.Asp813Glu (NM_001281492.2); c.1923C>G, p.Asp641Glu (NM_001281493.2, NM_001281494.2, NM_001406811.1 and 6 more transcripts); c.2925C>G, p.Asp975Glu (NM_001406795.1, NM_001406802.1); c.2829C>G, p.Asp943Glu (NM_001406796.1, NM_001406798.1, NM_001406800.1 and 2 more transcripts); c.2304C>G, p.Asp768Glu (NM_001406799.1, NM_001406806.1, NM_001406807.1); c.2751C>G, p.Asp917Glu (NM_001406804.1); c.2308+521C>G (NM_001406803.1); and 4 more; short protein forms D258E, D641E, D768E, D813E, D844E, D887E, D917E, D943E.
Identifiers: ClinVar variation 4860403 (VCV004860403.1).